The following is an entry in ClinVar:

ClinVar aggregate classification (germline): Uncertain significance (1 of 4 stars; one submission).

Conditions:
Glycine encephalopathy. Also called: Nonketotic hyperglycinemia; Non-ketotic hyperglycinemia. Identifiers: Orphanet 407, MedGen C0751748, MONDO:0011612, HP:0008288.

Submission:

Labcorp Genetics (formerly Invitae), Labcorp
Classification: Uncertain significance for Glycine encephalopathy. Last evaluated: 2022-05-27. Review status: criteria provided, single submitter. Criteria: Invitae Variant Classification Sherloc (09022015). Collection method: clinical testing. Allele origin: germline.
Comment: This sequence change replaces isoleucine, which is neutral and non-polar, with methionine, which is neutral and non-polar, at codon 695 of the GLDC protein (p.Ile695Met). This variant is not present in population databases (gnomAD no frequency). This variant has not been reported in the literature in individuals affected with GLDC-related conditions. Advanced modeling of protein sequence and biophysical properties (such as structural, functional, and spatial information, amino acid conservation, physicochemical variation, residue mobility, and thermodynamic stability) performed at Invitae indicates that this missense variant is not expected to disrupt GLDC protein function. In summary, the available evidence is currently insufficient to determine the role of this variant in disease. Therefore, it has been classified as a Variant of Uncertain Significance.

NM_000170.3(GLDC):c.2085C>G (p.Ile695Met)

Gene: GLDC (glycine decarboxylase; minus strand). Cytogenetic location: 9p24.1.
Variant type: single nucleotide variant.
Coding change: c.2085C>G on transcript NM_000170.3 (MANE Select); coding-DNA position 2085, C replaced by G.
Protein change: p.Ile695Met; replaces isoleucine 695 with methionine.
Molecular consequence: missense variant.
Genome position (GRCh38, 1-based): chr9:6,556,270, G>C on the plus strand (C>G on the coding strand, the complement: GLDC is on the minus strand). VCF-style: chr9-6556270-G-C. GRCh37 (hg19) VCF-style: chr9-6556270-G-C.
Other names: short protein forms I695M.
Identifiers: ClinVar variation 2037385 (VCV002037385.1), dbSNP rs145547090, ClinGen allele CA372881406.
Genomic context (GRCh38, chr9:6,556,270, plus strand): 5'-GTCACACACGTCACTGATGTTCTCTTCAAACACCCCATTGGTGGATGGGTATGTAATCAT[G>C]ATAGCTGCTAGGTTCTCCTTGTGCTTATCCACCTGTGAAAGAAAAGGGGTAGAGAAGGAC-3'
Protein context (NP_000161.2, residues 685-705): VDKHKENLAA[Ile695Met]MITYPSTNGV